The following is an entry in ClinVar:

ClinVar aggregate classification (germline): Pathogenic (1 of 4 stars; one submission).

Conditions:
Isovaleryl-CoA dehydrogenase deficiency (IVA). Also called: Classic Isovaleric Acidemia; Isovaleric acidemia; ISOVALERIC ACID CoA DEHYDROGENASE DEFICIENCY; IVD DEFICIENCY. Identifiers: Orphanet 33, MedGen C0268575, MONDO:0009475, OMIM 243500.

Submission:

Myriad Genetics, Inc.
Classification: Pathogenic for Isovaleryl-CoA dehydrogenase deficiency. Last evaluated: 2025-08-14. Review status: criteria provided, single submitter. Criteria: Myriad Autosomal Dominant, Autosomal Recessive and X-Linked Classification Criteria (2023). Collection method: clinical testing. Allele origin: unknown.
Comment: NM_002225.3(IVD):c.46delG(A16Rfs*30) is a frameshift variant classified as pathogenic in the context of isovaleric acidemia. A16Rfs*30 has not been observed in cases with relevant disease. Relevant functional assessments of this variant are not available in the literature. A16Rfs*30 has not been observed in referenced population frequency databases. In summary, NM_002225.3(IVD):c.46delG(A16Rfs*30) is a frameshift variant in a gene where loss of function is a known mechanism of disease and is predicted to disrupt protein function. Please note: this variant was assessed in the context of healthy population screening.

NM_002225.5(IVD):c.37del (p.Ala13fs)

Gene: IVD (isovaleryl-CoA dehydrogenase; plus strand). Cytogenetic location: 15q15.1.
Variant type: Deletion.
Coding change: c.37del on transcript NM_002225.5 (MANE Select); coding-DNA position 37, one base deleted (G; older notation c.37delG).
Protein change: p.Ala13fs; shifts the reading frame from alanine 13.
Molecular consequence: frameshift variant. On other transcripts: 5 prime UTR variant (1), non-coding transcript variant (1).
Genome position (GRCh38, 1-based): chr15:40,405,864, G deleted; the last of 2 consecutive G bases (chr15:40,405,863-40,405,864); deleting either gives the same sequence. VCF-style (leftmost placement, unchanged base first): chr15-40405862-TG-T. GRCh37 (hg19) VCF-style: chr15-40698063-TG-T.
Other names: c.37del, p.Ala13fs (NM_001159508.3, NM_001354598.3, NM_001354599.3 and 2 more transcripts); c.-391del (NM_001354597.3); short protein forms A13fs.
Identifiers: ClinVar variation 5004121 (VCV005004121.1).